The following is an entry in ClinVar:

ClinVar aggregate classification (germline): Pathogenic (1 of 4 stars; one submission).

Submission:

GeneDx
Classification: Pathogenic. Last evaluated: 2026-01-20. Review status: criteria provided, single submitter. Criteria: GeneDx Variant Classification Process June 2021. Collection method: clinical testing. Allele origin: germline. Affected: yes.
Comment: Nonsense variant predicted to result in protein truncation or nonsense mediated decay in a gene for which loss of function is a known mechanism of disease; Not observed at significant frequency in large population cohorts (gnomAD); This variant is associated with the following publications: (PMID: 31497877)

NM_004750.5(CRLF1):c.322C>T (p.Gln108Ter)

Gene: CRLF1 (cytokine receptor like factor 1; minus strand). Cytogenetic location: 19p13.11.
Variant type: single nucleotide variant.
Coding change: c.322C>T on transcript NM_004750.5 (MANE Select); coding-DNA position 322, C replaced by T.
Protein change: p.Gln108Ter; replaces glutamine 108 with a stop codon.
Molecular consequence: nonsense.
Genome position (GRCh38, 1-based): chr19:18,599,640, G>A on the plus strand (C>T on the coding strand, the complement: CRLF1 is on the minus strand). VCF-style: chr19-18599640-G-A. GRCh37 (hg19) VCF-style: chr19-18710450-G-A.
Other names: short protein forms Q108*.
Identifiers: ClinVar variation 280836 (VCV000280836.5), dbSNP rs886041972, ClinGen allele CA10603529.